The following is an entry in ClinVar:

ClinVar aggregate classification (germline): Likely pathogenic (1 of 4 stars; one submission).

Conditions:
Hereditary cancer-predisposing syndrome. Also called: Neoplastic Syndromes, Hereditary; Hereditary Cancer Syndrome; Tumor predisposition; Hereditary neoplastic syndrome. Identifiers: Orphanet 140162, MedGen C0027672, MeSH D009386, MONDO:0015356.

Submission:

Ambry Genetics
Classification: Likely pathogenic for Hereditary cancer-predisposing syndrome. Last evaluated: 2025-02-25. Review status: criteria provided, single submitter. Criteria: Ambry Variant Classification Scheme 2023. Collection method: clinical testing. Allele origin: germline.
Comment: The c.862+2T>C intronic variant results from a T to C substitution two nucleotides after coding exon 6 in the STK11 gene. This variant was reported in individual(s) with features consistent with Peutz-Jeghers syndrome (Qiu Y et al. Clin Case Rep, 2019 Apr;7:735-739; Lim W et al. Gastroenterology, 2004 Jun;126:1788-94). This variant is considered to be rare based on population cohorts in the Genome Aggregation Database (gnomAD). This nucleotide position is highly conserved in available vertebrate species. In silico splice site analysis predicts that this alteration will weaken the native splice donor site. Alterations that disrupt the canonical splice site are expected to cause aberrant splicing, resulting in an abnormal protein or a transcript that is subject to nonsense-mediated mRNA decay. As such, this alteration is classified as likely pathogenic.

Literature cited by the submitters: PubMed 15188174; PubMed 30997075.

NM_000455.5(STK11):c.862+2T>C

Gene: STK11 (serine/threonine kinase 11; plus strand). Cytogenetic location: 19p13.3.
Variant type: single nucleotide variant.
Coding change: c.862+2T>C on transcript NM_000455.5 (MANE Select); the canonical splice donor site of the intron after coding-DNA position 862, T replaced by C.
Molecular consequence: splice donor variant.
Genome position (GRCh38, 1-based): chr19:1,221,342, T>C. VCF-style: chr19-1221342-T-C. GRCh37 (hg19) VCF-style: chr19-1221341-T-C.
Other names: c.862+2T>C (NM_001407255.1).
Identifiers: ClinVar variation 3802401 (VCV003802401.1).